The following is an entry in ClinVar:

NM_198253.3(TERT):c.750C>T (p.Pro250=)

Gene: TERT (telomerase reverse transcriptase; minus strand). Cytogenetic location: 5p15.33.
Variant type: single nucleotide variant.
Coding change: c.750C>T on transcript NM_198253.3 (MANE Select); coding-DNA position 750, C replaced by T.
Protein change: p.Pro250=; no amino-acid change (proline 250 retained).
Molecular consequence: synonymous variant. On other transcripts: non-coding transcript variant (2).
Genome position (GRCh38, 1-based): chr5:1,294,136, G>A on the plus strand (C>T on the coding strand, the complement: TERT is on the minus strand). VCF-style: chr5-1294136-G-A. GRCh37 (hg19) VCF-style: chr5-1294251-G-A.
Other names: c.750C>T, p.Pro250= (NM_001193376.3).
Identifiers: ClinVar variation 1141179 (VCV001141179.35), dbSNP rs761741087, ClinGen allele CA3184921.

ClinVar aggregate classification (germline): Likely benign. Review status: criteria provided, multiple submitters, no conflicts (2 of 4 stars). 4 submissions from 4 submitters: Likely benign (4). Last evaluated 2025-11-12.

Conditions:
Dyskeratosis congenita, autosomal dominant 2. Identifiers: MedGen C3151443, MONDO:0013521, OMIM 613989.
Idiopathic Pulmonary Fibrosis. Also called: Idiopathic fibrosing alveolitis, chronic form; idiopathic fibrosing alveolitis. Identifiers: Orphanet 2032, MedGen C1800706, MeSH D054990, MONDO:0800504.
Dyskeratosis congenita. Identifiers: Orphanet 1775, MedGen C0265965, MONDO:0015780.

Allele frequency attached by ClinVar (database versions not stated): ExAC 0.00003.
gnomAD v4.1: 16 of 1,581,966 alleles (0.001%); highest among the groups gnomAD compares: Middle Eastern, 0.017%; no homozygotes.

Submissions (4):

Labcorp Genetics (formerly Invitae), Labcorp
Classification: Likely benign for Dyskeratosis congenita, autosomal dominant 2; Idiopathic Pulmonary Fibrosis. Last evaluated: 2025-11-12. Review status: criteria provided, single submitter. Criteria: Invitae Variant Classification Sherloc (09022015). Collection method: clinical testing. Allele origin: germline.

CeGaT Center for Human Genetics Tuebingen
Classification: Likely benign. Last evaluated: 2023-04-01. Review status: criteria provided, single submitter. Criteria: CeGaT Center For Human Genetics Tuebingen Variant Classification Criteria Version 2. Collection method: clinical testing. Allele origin: germline. Affected: yes. Observed: 1 variant allele.
Comment: TERT: BP4, BP7

Ambry Genetics
Classification: Likely benign for Dyskeratosis congenita. Last evaluated: 2022-05-06. Review status: criteria provided, single submitter. Criteria: Ambry Variant Classification Scheme 2023. Collection method: clinical testing. Allele origin: germline.

Blueprint Genetics
Classification: Likely benign. Last evaluated: 2022-03-30. Review status: criteria provided, single submitter. Criteria: ACMG Guidelines, 2015. Collection method: clinical testing. Allele origin: germline.